The following is an entry in ClinVar:

NM_004655.4(AXIN2):c.2338A>T (p.Met780Leu)

Gene: AXIN2 (axin 2; minus strand). Cytogenetic location: 17q24.1.
Variant type: single nucleotide variant.
Coding change: c.2338A>T on transcript NM_004655.4 (MANE Select); coding-DNA position 2338, A replaced by T.
Protein change: p.Met780Leu; replaces methionine 780 with leucine.
Molecular consequence: missense variant.
Genome position (GRCh38, 1-based): chr17:65,533,979, T>A on the plus strand (A>T on the coding strand, the complement: AXIN2 is on the minus strand). VCF-style: chr17-65533979-T-A. GRCh37 (hg19) VCF-style: chr17-63530097-T-A.
Other names: c.2143A>T, p.Met715Leu (NM_001363813.1); short protein forms M780L, M715L.
Identifiers: ClinVar variation 2586355 (VCV002586355.2), dbSNP rs2043866117, ClinGen allele CA400675468.
Genomic context (GRCh38, chr17:65,533,979, plus strand): 5'-TTCCCTTTTTGCTGAGCTGCTCTTTAAAGTGGCCCAGGGTCAAGCTCTGAGCCTTCAGCA[T>A]CCTCCGGTATGGAATTTCTTCCCCACAGAAAAAGTAAGTGACAACCAACTCACTGGCCTG-3'
Protein context (NP_004646.3, residues 770-790): FCGEEIPYRR[Met780Leu]LKAQSLTLGH

ClinVar aggregate classification (germline): Uncertain significance (1 of 4 stars; one submission).

Conditions:
Hereditary cancer-predisposing syndrome. Also called: Hereditary neoplastic syndrome; Tumor predisposition; Hereditary Cancer Syndrome; Neoplastic Syndromes, Hereditary. Identifiers: Orphanet 140162, MedGen C0027672, MeSH D009386, MONDO:0015356.

Submission:

Ambry Genetics
Classification: Uncertain significance for Hereditary cancer-predisposing syndrome. Last evaluated: 2023-06-25. Review status: criteria provided, single submitter. Criteria: Ambry Variant Classification Scheme 2023. Collection method: clinical testing. Allele origin: germline.
Comment: The p.M780L variant (also known as c.2338A>T), located in coding exon 9 of the AXIN2 gene, results from an A to T substitution at nucleotide position 2338. The methionine at codon 780 is replaced by leucine, an amino acid with highly similar properties. This amino acid position is conserved. In addition, this alteration is predicted to be tolerated by in silico analysis. Since supporting evidence is limited at this time, the clinical significance of this alteration remains unclear.